The following is an entry in ClinVar:

NM_206933.4(USH2A):c.2030A>G (p.Gln677Arg)

Gene: USH2A (usherin; minus strand). Cytogenetic location: 1q41.
Variant type: single nucleotide variant.
Coding change: c.2030A>G on transcript NM_206933.4 (MANE Select); coding-DNA position 2030, A replaced by G.
Protein change: p.Gln677Arg; replaces glutamine 677 with arginine.
Molecular consequence: missense variant.
Genome position (GRCh38, 1-based): chr1:216,251,040, T>C on the plus strand (A>G on the coding strand, the complement: USH2A is on the minus strand). VCF-style: chr1-216251040-T-C. GRCh37 (hg19) VCF-style: chr1-216424382-T-C.
Other names: c.2030A>G (NM_206933.2); c.2030A>G, p.Gln677Arg (NM_007123.6); short protein forms Q677R.
Identifiers: ClinVar variation 1909858 (VCV001909858.4), dbSNP rs1159057720, ClinGen allele CA1396324.
Genomic context (GRCh38, chr1:216,251,040, plus strand): 5'-TTGCAGTTACAGGGACTGCAGCCATCAGGATCCAACTCTTGTAGATTGTAGAATCCATTC[T>C]GGCACTGATTGCACTGCCTGCCAGACACGTGTCTCTTACAATTACACTGTCCTCCAATCT-3'
Protein context (NP_996816.3, residues 667-687): HVSGRQCNQC[Gln677Arg]NGFYNLQELD

ClinVar aggregate classification (germline): Uncertain significance. Review status: criteria provided, multiple submitters, no conflicts (2 of 4 stars). 3 submissions from 3 submitters: Uncertain significance (3). Last evaluated 2025-12-24.

Conditions:
Inborn genetic diseases. Identifiers: MedGen C0950123, MeSH D030342.

Allele frequency attached by ClinVar (database versions not stated): TOPMed 0.00002; gnomAD 0.00003; ExAC 0.00001; gnomAD exomes 0.00001.
gnomAD v4.1: 11 of 1,614,002 alleles (0.00068%); highest among the groups gnomAD compares: African/African-American, 0.008%; no homozygotes.

Submissions (3):

Ambry Genetics
Classification: Uncertain significance for Inborn genetic diseases. Last evaluated: 2025-12-24. Review status: criteria provided, single submitter. Criteria: Ambry Variant Classification Scheme 2023. Collection method: clinical testing. Allele origin: germline.

GeneDx
Classification: Uncertain significance. Last evaluated: 2025-06-03. Review status: criteria provided, single submitter. Criteria: GeneDx Variant Classification Process June 2021. Collection method: clinical testing. Allele origin: germline. Affected: yes.
Comment: Not observed at significant frequency in large population cohorts (gnomAD); In silico analysis suggests that this missense variant does not alter protein structure/function; Has not been previously published as pathogenic or benign to our knowledge

Labcorp Genetics (formerly Invitae), Labcorp
Classification: Uncertain significance. Last evaluated: 2022-05-25. Review status: criteria provided, single submitter. Criteria: Invitae Variant Classification Sherloc (09022015). Collection method: clinical testing. Allele origin: germline.
Comment: This sequence change replaces glutamine, which is neutral and polar, with arginine, which is basic and polar, at codon 677 of the USH2A protein (p.Gln677Arg). This variant is present in population databases (no rsID available, gnomAD 0.007%). This variant has not been reported in the literature in individuals affected with USH2A-related conditions. Algorithms developed to predict the effect of missense changes on protein structure and function (SIFT, PolyPhen-2, Align-GVGD) all suggest that this variant is likely to be tolerated. In summary, the available evidence is currently insufficient to determine the role of this variant in disease. Therefore, it has been classified as a Variant of Uncertain Significance.